The following is an entry in ClinVar:

ClinVar aggregate classification (germline): Uncertain significance. Review status: criteria provided, multiple submitters, no conflicts (2 of 4 stars). 2 submissions from 2 submitters: Uncertain significance (2). Last evaluated 2023-08-07.

Allele frequency attached by ClinVar (database versions not stated): gnomAD exomes 0.00001; ExAC 0.00002; gnomAD 0.00002; TOPMed 0.00003.
gnomAD v4.1: 16 of 1,613,288 alleles (0.00099%); highest among the groups gnomAD compares: Admixed American, 0.01%; no homozygotes.

Submissions (2):

Labcorp Genetics (formerly Invitae), Labcorp
Classification: Uncertain significance. Last evaluated: 2023-08-07. Review status: criteria provided, single submitter. Criteria: Invitae Variant Classification Sherloc (09022015). Collection method: clinical testing. Allele origin: germline.
Comment: In summary, the available evidence is currently insufficient to determine the role of this variant in disease. Therefore, it has been classified as a Variant of Uncertain Significance. An algorithm developed to predict the effect of missense changes on protein structure and function (PolyPhen-2) suggests that this variant is likely to be tolerated. ClinVar contains an entry for this variant (Variation ID: 2375483). This variant has not been reported in the literature in individuals affected with A4GALT-related conditions. This variant is present in population databases (rs756022687, gnomAD 0.01%). This sequence change replaces threonine, which is neutral and polar, with methionine, which is neutral and non-polar, at codon 324 of the A4GALT protein (p.Thr324Met).

Ambry Genetics
Classification: Uncertain significance. Last evaluated: 2021-09-16. Review status: criteria provided, single submitter. Criteria: Ambry Variant Classification Scheme 2023. Collection method: clinical testing. Allele origin: germline.

NM_017436.7(A4GALT):c.971C>T (p.Thr324Met)

Gene: A4GALT (alpha 1,4-galactosyltransferase (P1PK blood group); minus strand). Cytogenetic location: 22q13.2.
Variant type: single nucleotide variant.
Coding change: c.971C>T on transcript NM_017436.7 (MANE Select); coding-DNA position 971, C replaced by T.
Protein change: p.Thr324Met; replaces threonine 324 with methionine.
Molecular consequence: missense variant.
Genome position (GRCh38, 1-based): chr22:42,692,981, G>A on the plus strand (C>T on the coding strand, the complement: A4GALT is on the minus strand). VCF-style: chr22-42692981-G-A. GRCh37 (hg19) VCF-style: chr22-43088987-G-A.
Other names: c.971C>T, p.Thr324Met (NM_001318038.3); short protein forms T324M.
Identifiers: ClinVar variation 2375483 (VCV002375483.5), dbSNP rs756022687, ClinGen allele CA10270175.